The following is an entry in ClinVar:

ClinVar aggregate classification (germline): Conflicting classifications of pathogenicity. Review status: criteria provided, conflicting classifications (1 of 4 stars). 3 submissions from 3 submitters: Uncertain significance (1); Benign (1). 1 of the submissions does not count toward it. Last evaluated 2026-01-26.

Conditions:
SLC1A4-related disorder. Also called: SLC1A4-related condition.

Allele frequency attached by ClinVar (database versions not stated): gnomAD exomes 0.00114; ExAC 0.00128; 1000 Genomes Project 0.00020; 1000 Genomes Project 30x 0.00031; TOPMed 0.00072; gnomAD 0.00073 and 0.00077; ESP Exome Variant Server 0.00079.
gnomAD v4.1: 1,304 of 1,517,486 alleles (0.086%); highest among the groups gnomAD compares: Middle Eastern, 0.9%; 2 homozygotes.

Submissions (3):

Labcorp Genetics (formerly Invitae), Labcorp
Classification: Benign. Last evaluated: 2026-01-26. Review status: criteria provided, single submitter. Criteria: Invitae Variant Classification Sherloc (09022015). Collection method: clinical testing. Allele origin: germline.

CeGaT Center for Human Genetics Tuebingen
Classification: Uncertain significance. Last evaluated: 2018-05-01. Review status: criteria provided, single submitter. Criteria: CeGaT Center For Human Genetics Tuebingen Variant Classification Criteria Version 2. Collection method: clinical testing. Allele origin: germline. Affected: yes. Observed: 2 variant alleles.

PreventionGenetics, part of Exact Sciences
Classification: Benign for SLC1A4-related condition. Last evaluated: 2021-07-01. Review status: no assertion criteria provided. Collection method: clinical testing. Allele origin: germline. Not counted in ClinVar's aggregate classification.
Comment: This variant is classified as benign based on ACMG/AMP sequence variant interpretation guidelines (Richards et al. 2015 PMID: 25741868, with internal and published modifications).

NM_003038.5(SLC1A4):c.65C>T (p.Pro22Leu)

Gene: SLC1A4 (solute carrier family 1 member 4; plus strand). Cytogenetic location: 2p14.
Variant type: single nucleotide variant.
Coding change: c.65C>T on transcript NM_003038.5 (MANE Select); coding-DNA position 65, C replaced by T.
Protein change: p.Pro22Leu; replaces proline 22 with leucine.
Molecular consequence: missense variant. On other transcripts: intron variant (3).
Genome position (GRCh38, 1-based): chr2:64,989,708, C>T. VCF-style: chr2-64989708-C-T. GRCh37 (hg19) VCF-style: chr2-65216842-C-T.
Other names: c.-134+1088C>T (NM_001348406.2, NM_001193493.2); c.-134+1154C>T (NM_001348407.2); c.65C>T (NM_003038.4); short protein forms P22L.
Identifiers: ClinVar variation 624135 (VCV000624135.49), dbSNP rs201175768, ClinGen allele CA1685826.
Genomic context (GRCh38, chr2:64,989,708, plus strand): 5'-AGAAGAGCAACGAGACCAACGGCTACCTTGACAGCGCTCAGGCGGGGCCTGCGGCCGGGC[C>T]CGGAGCTCCGGGGACCGCGGCGGGACGCGCACGGCGTTGCGCGGGCTTCCTGCGGCGCCA-3'
Protein context (NP_003029.2, residues 12-32): DSAQAGPAAG[Pro22Leu]GAPGTAAGRA